The following is an entry in ClinVar:

ClinVar aggregate classification (germline): Uncertain significance (1 of 4 stars; one submission).

Conditions:
T-B+ severe combined immunodeficiency due to JAK3 deficiency. Also called: SCID, autosomal recessive, T-negative/B-positive type; SCID, T CELL-NEGATIVE, B CELL-POSITIVE, NK CELL-NEGATIVE. Identifiers: Orphanet 35078, MedGen C1833275, MONDO:0010938, OMIM 600802.

Allele frequency attached by ClinVar (database versions not stated): gnomAD exomes 0.00001.
gnomAD v4.1: 4 of 1,588,522 alleles (0.00025%); highest among the groups gnomAD compares: East Asian, 0.0069%; no homozygotes.

Submission:

Labcorp Genetics (formerly Invitae), Labcorp
Classification: Uncertain significance for T-B+ severe combined immunodeficiency due to JAK3 deficiency. Last evaluated: 2022-04-25. Review status: criteria provided, single submitter. Criteria: Invitae Variant Classification Sherloc (09022015). Collection method: clinical testing. Allele origin: germline.
Comment: This sequence change replaces arginine, which is basic and polar, with serine, which is neutral and polar, at codon 211 of the JAK3 protein (p.Arg211Ser). The frequency data for this variant in the population databases is considered unreliable, as metrics indicate poor data quality at this position in the gnomAD database. This variant has not been reported in the literature in individuals affected with JAK3-related conditions. Algorithms developed to predict the effect of missense changes on protein structure and function (SIFT, PolyPhen-2, Align-GVGD) all suggest that this variant is likely to be tolerated. In summary, the available evidence is currently insufficient to determine the role of this variant in disease. Therefore, it has been classified as a Variant of Uncertain Significance.

NM_000215.4(JAK3):c.633G>T (p.Arg211Ser)

Gene: JAK3 (Janus kinase 3; minus strand). Cytogenetic location: 19p13.11.
Variant type: single nucleotide variant.
Coding change: c.633G>T on transcript NM_000215.4 (MANE Select); coding-DNA position 633, G replaced by T.
Protein change: p.Arg211Ser; replaces arginine 211 with serine.
Molecular consequence: missense variant.
Genome position (GRCh38, 1-based): chr19:17,842,544, C>A on the plus strand (G>T on the coding strand, the complement: JAK3 is on the minus strand). VCF-style: chr19-17842544-C-A. GRCh37 (hg19) VCF-style: chr19-17953353-C-A.
Other names: short protein forms R211S.
Identifiers: ClinVar variation 2126968 (VCV002126968.1), dbSNP rs1309664176, ClinGen allele CA404772800.
Genomic context (GRCh38, chr19:17,842,544, plus strand): 5'-CCGGTCTGCCTGGCAGGCGGCCACGCGGCGCAGGGCTCTGCGCACCGTCCTCCGAATACG[C>A]CTCCGCGTCACGAAGCTCAGGCCCTGGATCAGGTCGCGCAGGCTTGGGGGTAGGCAGGCC-3'
Protein context (NP_000206.2, residues 201-221): LIQGLSFVTR[Arg211Ser]RIRRTVRRAL